The following is an entry in ClinVar:

NM_182643.3(DLC1):c.3319T>A (p.Leu1107Met)

Gene: DLC1 (DLC1 Rho GTPase activating protein; minus strand). Cytogenetic location: 8p22.
Variant type: single nucleotide variant.
Coding change: c.3319T>A on transcript NM_182643.3 (MANE Select); coding-DNA position 3319, T replaced by A.
Protein change: p.Leu1107Met; replaces leucine 1107 with methionine.
Molecular consequence: missense variant.
Genome position (GRCh38, 1-based): chr8:13,095,094, A>T on the plus strand (T>A on the coding strand, the complement: DLC1 is on the minus strand). VCF-style: chr8-13095094-A-T. GRCh37 (hg19) VCF-style: chr8-12952603-A-T.
Other names: c.1786T>A, p.Leu596Met (NM_001164271.2, NM_001348082.2, NM_001348083.1 and 6 more transcripts); c.2110T>A, p.Leu704Met (NM_001316668.2, NM_001413129.1); c.3319T>A, p.Leu1107Met (NM_001348081.2, NM_001413124.1); c.2101T>A, p.Leu701Met (NM_001413130.1); c.1759T>A, p.Leu587Met (NM_001413131.1, NM_001413137.1); c.2245T>A, p.Leu749Met (NM_001413132.1); c.2008T>A, p.Leu670Met (NM_001413135.1, NM_001413136.1, NM_001413139.1 and 1 more transcripts); c.2143T>A, p.Leu715Met (NM_001413140.1); short protein forms L1107M, L701M, L704M, L715M, L749M, L596M, L587M, L670M.
Identifiers: ClinVar variation 1998721 (VCV001998721.4), dbSNP rs2537016701, ClinGen allele CA370343211.

ClinVar aggregate classification (germline): Uncertain significance (1 of 4 stars; one submission).

Submission:

Labcorp Genetics (formerly Invitae), Labcorp
Classification: Uncertain significance. Last evaluated: 2022-05-25. Review status: criteria provided, single submitter. Criteria: Invitae Variant Classification Sherloc (09022015). Collection method: clinical testing. Allele origin: germline.
Comment: In summary, the available evidence is currently insufficient to determine the role of this variant in disease. Therefore, it has been classified as a Variant of Uncertain Significance. Algorithms developed to predict the effect of missense changes on protein structure and function are either unavailable or do not agree on the potential impact of this missense change (SIFT: "Deleterious"; PolyPhen-2: "Probably Damaging"; Align-GVGD: "Class C0"). This variant has not been reported in the literature in individuals affected with DLC1-related conditions. This variant is not present in population databases (gnomAD no frequency). This sequence change replaces leucine, which is neutral and non-polar, with methionine, which is neutral and non-polar, at codon 1107 of the DLC1 protein (p.Leu1107Met).